The following is an entry in ClinVar:

NM_001814.6(CTSC):c.415G>A (p.Gly139Arg)

Gene: CTSC (cathepsin C; minus strand). Cytogenetic location: 11q14.2.
Variant type: single nucleotide variant.
Coding change: c.415G>A on transcript NM_001814.6 (MANE Select); coding-DNA position 415, G replaced by A.
Protein change: p.Gly139Arg; replaces glycine 139 with arginine.
Molecular consequence: missense variant.
Genome position (GRCh38, 1-based): chr11:88,312,458, C>T on the plus strand (G>A on the coding strand, the complement: CTSC is on the minus strand). VCF-style: chr11-88312458-C-T. GRCh37 (hg19) VCF-style: chr11-88045626-C-T.
Other names: short protein forms G139R.
Identifiers: ClinVar variation 2925492 (VCV002925492.5), dbSNP rs749103588, ClinGen allele CA6219961.

ClinVar aggregate classification (germline): Pathogenic. Review status: criteria provided, multiple submitters, no conflicts (2 of 4 stars). 3 submissions from 3 submitters: Pathogenic (3). Last evaluated 2024-10-21.

Conditions:
CTSC-related disorder. Also called: CTSC-related disorders; CTSC-related condition. Identifiers: MedGen CN375926, MONDO:0800465.
Haim-Munk syndrome (HMS). Also called: COCHIN JEWISH DISORDER; KERATOSIS PALMOPLANTARIS WITH PERIODONTOPATHIA AND ONYCHOGRYPOSIS. Identifiers: Orphanet 2342, MedGen C1855627, MONDO:0009491, OMIM 245010.
Periodontitis, aggressive. Identifiers: MedGen C0031106, MONDO:0980757.
Papillon-Lefèvre syndrome (PALS). Also called: Papillon-Lefevre Disease; KERATOSIS PALMOPLANTARIS WITH PERIODONTOPATHIA. Identifiers: Orphanet 678, MedGen C0030360, MONDO:0009490, OMIM 245000.

Allele frequency attached by ClinVar (database versions not stated): gnomAD 0.00001; TOPMed 0.00001; ExAC 0.00002.
gnomAD v4.1: 27 of 1,614,024 alleles (0.0017%); highest among the groups gnomAD compares: Non-Finnish European, 0.0022%; no homozygotes.

Submissions (3):

Labcorp Genetics (formerly Invitae), Labcorp
Classification: Pathogenic for Haim-Munk syndrome; Periodontitis, aggressive; Papillon-Lefèvre syndrome. Last evaluated: 2024-10-21. Review status: criteria provided, single submitter. Criteria: Invitae Variant Classification Sherloc (09022015). Collection method: clinical testing. Allele origin: germline.
Comment: This sequence change replaces glycine, which is neutral and non-polar, with arginine, which is basic and polar, at codon 139 of the CTSC protein (p.Gly139Arg). The frequency data for this variant in the population databases is considered unreliable, as metrics indicate poor data quality at this position in the gnomAD database. This missense change has been observed in individual(s) with CTSC-related conditions (PMID: 12112662, 16332247, 18401176, 34515563). In at least one individual the data is consistent with being in trans (on the opposite chromosome) from a pathogenic variant. It has also been observed to segregate with disease in related individuals. Invitae Evidence Modeling of protein sequence and biophysical properties (such as structural, functional, and spatial information, amino acid conservation, physicochemical variation, residue mobility, and thermodynamic stability) indicates that this missense variant is expected to disrupt CTSC protein function with a positive predictive value of 80%. For these reasons, this variant has been classified as Pathogenic.

Fulgent Genetics
Classification: Pathogenic for Periodontitis, aggressive 1; Papillon-Lefèvre syndrome; Haim-Munk syndrome. Last evaluated: 2024-06-13. Review status: criteria provided, single submitter. Criteria: ACMG Guidelines, 2015. Collection method: clinical testing. Allele origin: germline.

Blueprint Genetics
Classification: Pathogenic for CTSC-related disorders. Last evaluated: 2021-12-20. Review status: criteria provided, single submitter. Criteria: ACMG Guidelines, 2015. Collection method: clinical testing. Allele origin: germline. Affected: yes. Observed: 3 variant alleles.

Literature cited by the submitters: PubMed 12112662 (cited by Labcorp Genetics (formerly Invitae), Labcorp); PubMed 16332247 (cited by Labcorp Genetics (formerly Invitae), Labcorp); PubMed 18401176 (cited by Labcorp Genetics (formerly Invitae), Labcorp); PubMed 34515563 (cited by Labcorp Genetics (formerly Invitae), Labcorp).